The following is an entry in ClinVar:

ClinVar aggregate classification (germline): Uncertain significance. Review status: criteria provided, multiple submitters, no conflicts (2 of 4 stars). 2 submissions from 2 submitters: Uncertain significance (2). Last evaluated 2025-05-05.

Conditions:
Nephronophthisis. Also called: Juvenile Nephronophthisis. Identifiers: Orphanet 655, MedGen C0687120, MONDO:0019005, HP:0000090.
Infantile nephronophthisis (NPHP2). Also called: Nephronophthisis 2, infantile; Nephronophthisis 2. Identifiers: Orphanet 655, Orphanet 93591, MedGen C1865872, MONDO:0011190, OMIM 602088.

Submissions (2):

Labcorp Genetics (formerly Invitae), Labcorp
Classification: Uncertain significance for Nephronophthisis. Last evaluated: 2025-05-05. Review status: criteria provided, single submitter. Criteria: Invitae Variant Classification Sherloc (09022015). Collection method: clinical testing. Allele origin: germline.
Comment: This sequence change replaces isoleucine, which is neutral and non-polar, with serine, which is neutral and polar, at codon 557 of the INVS protein (p.Ile557Ser). This variant is not present in population databases (gnomAD no frequency). This variant has not been reported in the literature in individuals affected with INVS-related conditions. ClinVar contains an entry for this variant (Variation ID: 854243). An algorithm developed to predict the effect of missense changes on protein structure and function (PolyPhen-2) suggests that this variant is likely to be disruptive. In summary, the available evidence is currently insufficient to determine the role of this variant in disease. Therefore, it has been classified as a Variant of Uncertain Significance.

Fulgent Genetics
Classification: Uncertain significance for Infantile nephronophthisis. Last evaluated: 2021-11-03. Review status: criteria provided, single submitter. Criteria: ACMG Guidelines, 2015. Collection method: clinical testing. Allele origin: unknown.

NM_014425.5(INVS):c.1670T>G (p.Ile557Ser)

Gene: INVS (inversin; plus strand). Cytogenetic location: 9q31.1.
Variant type: single nucleotide variant.
Coding change: c.1670T>G on transcript NM_014425.5 (MANE Select); coding-DNA position 1670, T replaced by G.
Protein change: p.Ile557Ser; replaces isoleucine 557 with serine.
Molecular consequence: missense variant. On other transcripts: non-coding transcript variant (1).
Genome position (GRCh38, 1-based): chr9:100,272,962, T>G. VCF-style: chr9-100272962-T-G. GRCh37 (hg19) VCF-style: chr9-103035244-T-G.
Other names: c.1382T>G, p.Ile461Ser (NM_001318381.2); c.692T>G, p.Ile231Ser (NM_001318382.2); short protein forms I231S, I461S, I557S.
Identifiers: ClinVar variation 854243 (VCV000854243.10), dbSNP rs1833001296, ClinGen allele CA374238518.